The following is an entry in ClinVar:

ClinVar aggregate classification (germline): Uncertain significance (1 of 4 stars; one submission).

Allele frequency attached by ClinVar (database versions not stated): gnomAD exomes below 0.00001.
gnomAD v4.1: 2 of 1,613,792 alleles (0.00012%); highest among the groups gnomAD compares: Non-Finnish European, 0.000085%; no homozygotes.

Submission:

Labcorp Genetics (formerly Invitae), Labcorp
Classification: Uncertain significance. Last evaluated: 2022-03-10. Review status: criteria provided, single submitter. Criteria: Invitae Variant Classification Sherloc (09022015). Collection method: clinical testing. Allele origin: germline.
Comment: In summary, the available evidence is currently insufficient to determine the role of this variant in disease. Therefore, it has been classified as a Variant of Uncertain Significance. Algorithms developed to predict the effect of missense changes on protein structure and function are either unavailable or do not agree on the potential impact of this missense change (SIFT: "Deleterious"; PolyPhen-2: "Benign"; Align-GVGD: "Class C15"). This variant has not been reported in the literature in individuals affected with RDH5-related conditions. This variant is not present in population databases (gnomAD no frequency). This sequence change replaces glycine, which is neutral and non-polar, with aspartic acid, which is acidic and polar, at codon 172 of the RDH5 protein (p.Gly172Asp).

NM_002905.5(RDH5):c.515G>A (p.Gly172Asp)

Genes: BLOC1S1-RDH5 (BLOC1S1-RDH5 readthrough; plus strand), RDH5 (retinol dehydrogenase 5; plus strand). Cytogenetic location: 12q13.2.
Variant type: single nucleotide variant.
Coding change: c.515G>A on transcript NM_002905.5 (MANE Select); coding-DNA position 515, G replaced by A.
Protein change: p.Gly172Asp; replaces glycine 172 with aspartic acid.
Molecular consequence: missense variant. On other transcripts: non-coding transcript variant (1).
Genome position (GRCh38, 1-based): chr12:55,721,893, G>A. VCF-style: chr12-55721893-G-A. GRCh37 (hg19) VCF-style: chr12-56115677-G-A.
Other names: c.515G>A, p.Gly172Asp (NM_001199771.3); short protein forms G172D.
Identifiers: ClinVar variation 1369971 (VCV001369971.6), dbSNP rs1465923151, ClinGen allele CA385201097.